The following is an entry in ClinVar:

ClinVar aggregate classification (germline): Uncertain significance (1 of 4 stars; one submission).

Submission:

ISCA Site 6
Classification: Uncertain significance. Last evaluated: 2011-08-12. Review status: criteria provided, single submitter. Criteria: Kaminsky et al. (Genet Med. 2011). Collection method: clinical testing. Allele origin: unknown. Affected: yes. Observed: 1 variant allele.
Comment: Copy number variation identified through the course of routine clinical cytogenomic testing in postnatal populations. Clinical assertions have been curated as described in Kaminsky et al. 2011.

GRCh38/hg38 11q22.1-22.2(chr11:102130109-102368261)x3

Genes: BIRC2 (baculoviral IAP repeat containing 2; plus strand), BIRC3 (baculoviral IAP repeat containing 3; plus strand), YAP1 (Yes1 associated transcriptional regulator; plus strand), LOC121392936 (Sharpr-MPRA regulatory region 9487; plus strand), LOC121832819 (Sharpr-MPRA regulatory region 8516; plus strand) and 8 more. Cytogenetic location: 11q22.1-22.2.
Variant type: copy number gain.
Change: copy number 3 (three copies instead of two) of chr11:102,130,109-102,368,261 (238.2 kb, GRCh38 coordinates, 1-based), cytogenetic band 11q22.1-22.2.
Identifiers: ClinVar variation 58187 (VCV000058187.3).